The following is an entry in ClinVar:

NM_020779.4(WDR35):c.1570G>A (p.Gly524Ser)

Gene: WDR35 (WD repeat domain 35; minus strand). Cytogenetic location: 2p24.1.
Variant type: single nucleotide variant.
Coding change: c.1570G>A on transcript NM_020779.4 (MANE Select); coding-DNA position 1570, G replaced by A.
Protein change: p.Gly524Ser; replaces glycine 524 with serine.
Molecular consequence: missense variant.
Genome position (GRCh38, 1-based): chr2:19,946,525, C>T on the plus strand (G>A on the coding strand, the complement: WDR35 is on the minus strand). VCF-style: chr2-19946525-C-T. GRCh37 (hg19) VCF-style: chr2-20146286-C-T.
Other names: c.1603G>A, p.Gly535Ser (NM_001006657.2); short protein forms G535S, G524S.
Identifiers: ClinVar variation 1463897 (VCV001463897.8), dbSNP rs2103416923, ClinGen allele CA345945053.
Genomic context (GRCh38, chr2:19,946,525, plus strand): 5'-AGTTGCAATTCAAGGATAACTGGTAGGCTCGACAATTAAGGGAATATTTTTGAATCAAAC[C>T]AACATTAGGTAGACTGTATCTCTGAATGGTGCCAGATTCACGACCCTATGGAAATTACTT-3'
Protein context (NP_065830.2, residues 514-534): TIQRYSLPNV[Gly524Ser]LIQKYSLNCR

ClinVar aggregate classification (germline): Uncertain significance (1 of 4 stars; one submission).

Conditions:
Short-rib thoracic dysplasia 7 with or without polydactyly (SRTD7). Also called: Short rib polydactyly syndrome 5; SHORT-RIB THORACIC DYSPLASIA 7 WITH POLYDACTYLY. Identifiers: Orphanet 498497, Orphanet 93271, MedGen C3279792, MONDO:0013569, OMIM 614091.
Cranioectodermal dysplasia 2 (CED2). Identifiers: Orphanet 1515, MedGen C3150874, MONDO:0013323, OMIM 613610.

Submission:

Labcorp Genetics (formerly Invitae), Labcorp
Classification: Uncertain significance for Cranioectodermal dysplasia 2; Short-rib thoracic dysplasia 7 with or without polydactyly. Last evaluated: 2020-12-14. Review status: criteria provided, single submitter. Criteria: Invitae Variant Classification Sherloc (09022015). Collection method: clinical testing. Allele origin: germline.
Comment: In summary, the available evidence is currently insufficient to determine the role of this variant in disease. Therefore, it has been classified as a Variant of Uncertain Significance. Algorithms developed to predict the effect of sequence changes on RNA splicing suggest that this variant may create or strengthen a splice site, but this prediction has not been confirmed by published transcriptional studies. Algorithms developed to predict the effect of missense changes on protein structure and function (SIFT, PolyPhen-2, Align-GVGD) all suggest that this variant is likely to be tolerated, but these predictions have not been confirmed by published functional studies and their clinical significance is uncertain. This variant has not been reported in the literature in individuals with WDR35-related conditions. This variant is not present in population databases (ExAC no frequency). This sequence change replaces glycine with serine at codon 535 of the WDR35 protein (p.Gly535Ser). The glycine residue is weakly conserved and there is a small physicochemical difference between glycine and serine.